The following is an entry in ClinVar:

ClinVar aggregate classification (germline): Uncertain significance. Review status: criteria provided, multiple submitters, no conflicts (2 of 4 stars). 2 submissions from 2 submitters: Uncertain significance (2). Last evaluated 2025-03-23.

Conditions:
Cardiovascular phenotype. Identifiers: MedGen CN230736.
Arrhythmogenic cardiomyopathy with wooly hair and keratoderma. Also called: PALMOPLANTAR KERATODERMA WITH LEFT VENTRICULAR CARDIOMYOPATHY AND WOOLLY HAIR; Carvajal syndrome; Dilated cardiomyopathy with woolly hair and keratoderma; Arrhythmogenic cardiomyopathy with woolly hair and keratoderma. Identifiers: Orphanet 65282, MedGen C1854063, MONDO:0011581, OMIM 605676.

Submissions (2):

Ambry Genetics
Classification: Uncertain significance for Cardiovascular phenotype. Last evaluated: 2025-03-23. Review status: criteria provided, single submitter. Criteria: Ambry Variant Classification Scheme 2023. Collection method: clinical testing. Allele origin: germline.
Comment: The p.H8L variant (also known as c.23A>T), located in coding exon 1 of the DSP gene, results from an A to T substitution at nucleotide position 23. The histidine at codon 8 is replaced by leucine, an amino acid with similar properties. This amino acid position is conserved. In addition, the in silico prediction for this alteration is inconclusive. Based on the available evidence, the clinical significance of this variant remains unclear.

All of Us Research Program, National Institutes of Health
Classification: Uncertain significance for Arrhythmogenic cardiomyopathy with wooly hair and keratoderma. Last evaluated: 2023-12-13. Review status: criteria provided, single submitter. Criteria: ACMG Guidelines, 2015. Collection method: clinical testing. Allele origin: germline. Inheritance: Autosomal dominant inheritance. Observed: 1 variant allele, 1 heterozygote.
Comment: This missense variant replaces histidine with leucine at codon 8 of the DSP protein. Computational prediction suggests that this variant may not impact protein structure and function (internally defined REVEL score threshold <= 0.5, PMID: 27666373). To our knowledge, functional studies have not been reported for this variant. This variant has not been reported in individuals affected with DSP-related disorders in the literature. This variant has not been identified in the general population by the Genome Aggregation Database (gnomAD). The available evidence is insufficient to determine the role of this variant in disease conclusively. Therefore, this variant is classified as a Variant of Uncertain Significance.

This study involves interpretation of variants in research participants for the purpose of population health screening. Participant phenotype was not available at the time of variant classification. Additional details can be found in publication PMID: 35346344, PMCID: PMC8962531

NM_004415.4(DSP):c.23A>T (p.His8Leu)

Genes: DSP (desmoplakin; plus strand), DSP-AS1 (DSP antisense RNA 1; minus strand). Cytogenetic location: 6p24.3.
Variant type: single nucleotide variant.
Coding change: c.23A>T on transcript NM_004415.4 (MANE Select); coding-DNA position 23, A replaced by T.
Protein change: p.His8Leu; replaces histidine 8 with leucine.
Molecular consequence: missense variant.
Genome position (GRCh38, 1-based): chr6:7,541,938, A>T. VCF-style: chr6-7541938-A-T. GRCh37 (hg19) VCF-style: chr6-7542171-A-T.
Other names: c.23A>T, p.His8Leu (NM_001008844.3, NM_001319034.2, NM_001406591.1); short protein forms H8L.
Identifiers: ClinVar variation 3074728 (VCV003074728.2), dbSNP rs2533800283, ClinGen allele CA362675482.
Genomic context (GRCh38, chr6:7,541,938, plus strand): 5'-GCCTCGGCGCTGAGCCGCTCTCCCGATTGCCCGCCGACATGAGCTGCAACGGAGGCTCCC[A>T]CCCGCGGATCAACACTCTGGGCCGCATGATCCGCGCCGAGTCTGGCCCGGACCTGCGCTA-3'
Protein context (NP_004406.2, residues 1-18): MSCNGGS[His8Leu]PRINTLGRMI